The following is an entry in ClinVar:

ClinVar aggregate classification (germline): Uncertain significance. Review status: criteria provided, multiple submitters, no conflicts (2 of 4 stars). 2 submissions from 2 submitters: Uncertain significance (2). Last evaluated 2026-04-29.

Conditions:
Familial thoracic aortic aneurysm and aortic dissection (TAAD). Also called: Thoracic aortic aneurysms and dissections. Identifiers: Orphanet 91387, MedGen C4707243, MONDO:0019625.

Submissions (2):

Ambry Genetics
Classification: Uncertain significance for Familial thoracic aortic aneurysm and aortic dissection. Last evaluated: 2026-04-29. Review status: criteria provided, single submitter. Criteria: Ambry Variant Classification Scheme 2023. Collection method: clinical testing. Allele origin: germline.
Comment: The c.5726_5731delGGGAAG variant (also known as p.G1909_E1910del) is located in coding exon 31 of the MYLK gene. This variant results from an in-frame GGGAAG deletion at nucleotide positions 5726 to 5731. This results in the in-frame deletion of two amino acids (GE) at codons 1909 and 1910. This amino acid positions are not well conserved in available vertebrate species. In addition, the in silico prediction for this variant is inconclusive (Choi Y et al. PLoS ONE. 2012; 7(10):e46688). Based on the available evidence, the clinical significance of this variant remains unclear.

GeneDx
Classification: Uncertain significance. Last evaluated: 2019-10-03. Review status: criteria provided, single submitter. Criteria: GeneDx Variant Classification Process June 2021. Collection method: clinical testing. Allele origin: germline. Affected: yes.
Comment: Has not been previously published as pathogenic or benign to our knowledge; Not observed at a significant frequency in large population cohorts (Lek et al., 2016); In-frame deletion of 2 amino acids; In silico analysis, which includes protein predictors and evolutionary conservation, supports a deleterious effect

NM_053025.4(MYLK):c.5720GGGAAG[1] (p.1905GE[2])

Genes: MYLK (myosin light chain kinase; minus strand), MYLK-AS1 (MYLK antisense RNA 1; plus strand). Cytogenetic location: 3q21.1.
Variant type: Microsatellite.
Coding change: c.5720GGGAAG[1] on transcript NM_053025.4 (MANE Select); one copy of the 6-base unit GGGAAG starting at c.5720; the reference has two copies in a row; one copy, 6 bases deleted.
Protein change: p.1905GE[2].
Molecular consequence: inframe deletion.
Genome position (GRCh38, 1-based): chr3:123,614,119-123,614,124, CTTCCC deleted on the plus strand (GGGAAG on the coding strand, the reverse complement: MYLK is on the minus strand); deleting any 6 consecutive bases within chr3:123,614,119-123,614,134 gives the same sequence; the position shown is the placement nearest the transcript's 3' end. VCF-style (leftmost placement, unchanged base first): chr3-123614118-TCTTCCC-T. GRCh37 (hg19) VCF-style: chr3-123332965-TCTTCCC-T.
Other names: c.5192GGGAAG[1], p.1729GE[2] (NM_001321309.2); c.5513GGGAAG[1], p.1836GE[2] (NM_053026.4); c.5567GGGAAG[1], p.1854GE[2] (NM_053027.4); c.5360GGGAAG[1], p.1785GE[2] (NM_053028.4); c.437GGGAAG[1], p.144GE[2] (NM_053031.4); c.440GGGAAG[1], p.145GE[2] (NM_053032.4).
Identifiers: ClinVar variation 1186791 (VCV001186791.3), dbSNP rs781353257, ClinGen allele CA073225.